The following is an entry in ClinVar:

NM_004415.4(DSP):c.1141-14C>T

Gene: DSP (desmoplakin; plus strand). Cytogenetic location: 6p24.3.
Variant type: single nucleotide variant.
Coding change: c.1141-14C>T on transcript NM_004415.4 (MANE Select); 14 bases into the intron before coding-DNA position 1141, C replaced by T.
Molecular consequence: intron variant.
Genome position (GRCh38, 1-based): chr6:7,567,767, C>T. VCF-style: chr6-7567767-C-T. GRCh37 (hg19) VCF-style: chr6-7568000-C-T.
Other names: c.1141-14C>T (NM_001319034.2, NM_001008844.3).
Identifiers: ClinVar variation 1597750 (VCV001597750.9), dbSNP rs1258179786, ClinGen allele CA565103002.

ClinVar aggregate classification (germline): Likely benign. Review status: criteria provided, multiple submitters, no conflicts (2 of 4 stars). 2 submissions from 2 submitters: Likely benign (2). Last evaluated 2024-10-26.

Conditions:
Arrhythmogenic right ventricular dysplasia 8 (ARVD8). Also called: Arrhythmogenic Right Ventricular Dysplasia/Cardiomyopathy 8; ARRHYTHMOGENIC RIGHT VENTRICULAR DYSPLASIA, FAMILIAL, 8; ARRHYTHMOGENIC RIGHT VENTRICULAR CARDIOMYOPATHY 8. Identifiers: MedGen C1843896, MONDO:0011831, OMIM 607450.
Arrhythmogenic cardiomyopathy with wooly hair and keratoderma. Also called: Carvajal syndrome; Dilated cardiomyopathy with woolly hair and keratoderma; Arrhythmogenic cardiomyopathy with woolly hair and keratoderma; PALMOPLANTAR KERATODERMA WITH LEFT VENTRICULAR CARDIOMYOPATHY AND WOOLLY HAIR. Identifiers: Orphanet 65282, MedGen C1854063, MONDO:0011581, OMIM 605676.

Allele frequency attached by ClinVar (database versions not stated): gnomAD 0.00001.
gnomAD v4.1: 1 of 1,613,752 alleles (0.000062%); highest among the groups gnomAD compares: African/African-American, 0.0013%; no homozygotes.

Submissions (2):

Labcorp Genetics (formerly Invitae), Labcorp
Classification: Likely benign for Arrhythmogenic cardiomyopathy with wooly hair and keratoderma; Arrhythmogenic right ventricular dysplasia 8. Last evaluated: 2024-10-26. Review status: criteria provided, single submitter. Criteria: Invitae Variant Classification Sherloc (09022015). Collection method: clinical testing. Allele origin: germline.

All of Us Research Program, National Institutes of Health
Classification: Likely benign for Arrhythmogenic cardiomyopathy with wooly hair and keratoderma. Last evaluated: 2023-09-17. Review status: criteria provided, single submitter. Criteria: ACMG Guidelines, 2015. Collection method: clinical testing. Allele origin: germline. Inheritance: Autosomal dominant inheritance. Observed: 1 variant allele, 1 heterozygote.
Comment: This study involves interpretation of variants in research participants for the purpose of population health screening. Participant phenotype was not available at the time of variant classification. Additional details can be found in publication PMID: 35346344, PMCID: PMC8962531